The following is an entry in ClinVar:

ClinVar aggregate classification (germline): Benign/Likely benign. Review status: criteria provided, multiple submitters, no conflicts (2 of 4 stars). 4 submissions from 4 submitters: Benign (1); Likely benign (3). Last evaluated 2024-12-18.

Conditions:
Hereditary cancer-predisposing syndrome. Also called: Tumor predisposition; Hereditary Cancer Syndrome; Hereditary neoplastic syndrome; Neoplastic Syndromes, Hereditary. Identifiers: Orphanet 140162, MedGen C0027672, MeSH D009386, MONDO:0015356.
Familial adenomatous polyposis 1 (FAP1). Also called: FAMILIAL ADENOMATOUS POLYPOSIS 1, ATTENUATED; POLYPOSIS, ADENOMATOUS INTESTINAL. Identifiers: MedGen C2713442, MONDO:0021056, OMIM 175100. Disease mechanism: loss of function.

Allele frequency attached by ClinVar (database versions not stated): gnomAD exomes below 0.00001 and 0.00001; TOPMed below 0.00001; ExAC 0.00001; gnomAD 0.00001.
gnomAD v4.1: 4 of 1,613,852 alleles (0.00025%); highest among the groups gnomAD compares: East Asian, 0.0045%; no homozygotes.

Submissions (4):

Labcorp Genetics (formerly Invitae), Labcorp
Classification: Likely benign for Familial adenomatous polyposis 1. Last evaluated: 2024-12-18. Review status: criteria provided, single submitter. Criteria: Invitae Variant Classification Sherloc (09022015). Collection method: clinical testing. Allele origin: germline.

Myriad Genetics, Inc.
Classification: Benign for Familial adenomatous polyposis 1. Last evaluated: 2024-03-08. Review status: criteria provided, single submitter. Criteria: Myriad Autosomal Dominant, Autosomal Recessive and X-Linked Classification Criteria (2023). Collection method: clinical testing. Allele origin: unknown.
Comment: This variant is considered benign. This variant is a silent/synonymous amino acid change and it is not expected to impact splicing.

Ambry Genetics
Classification: Likely benign for Hereditary cancer-predisposing syndrome. Last evaluated: 2020-07-09. Review status: criteria provided, single submitter. Criteria: Ambry Variant Classification Scheme 2023. Collection method: clinical testing. Allele origin: germline.

GeneDx
Classification: Likely benign. Last evaluated: 2019-01-25. Review status: criteria provided, single submitter. Criteria: GeneDx Variant Classification Process June 2021. Collection method: clinical testing. Allele origin: germline. Affected: yes.

NM_000038.6(APC):c.2073T>C (p.Asn691=)

Gene: APC (APC regulator of Wnt signaling pathway; plus strand). Cytogenetic location: 5q22.2.
Variant type: single nucleotide variant.
Coding change: c.2073T>C on transcript NM_000038.6 (MANE Select); coding-DNA position 2073, T replaced by C.
Protein change: p.Asn691=; no amino-acid change (asparagine 691 retained).
Molecular consequence: synonymous variant.
Genome position (GRCh38, 1-based): chr5:112,837,667, T>C. VCF-style: chr5-112837667-T-C. GRCh37 (hg19) VCF-style: chr5-112173364-T-C.
Other names: c.2073T>C, p.Asn691= (NM_001127510.3, NM_001354895.2); c.2019T>C, p.Asn673= (NM_001127511.3); c.2127T>C, p.Asn709= (NM_001354896.2); c.2103T>C, p.Asn701= (NM_001354897.2); c.1998T>C, p.Asn666= (NM_001354898.2); c.1989T>C, p.Asn663= (NM_001354899.2); c.1950T>C, p.Asn650= (NM_001354900.2); c.1896T>C, p.Asn632= (NM_001354901.2); and 5 more.
Identifiers: ClinVar variation 537691 (VCV000537691.14), dbSNP rs768685742, ClinGen allele CA030673.